The following is an entry in ClinVar:

ClinVar aggregate classification (germline): Uncertain significance. Review status: criteria provided, single submitter (1 of 4 stars). 2 submissions from 2 submitters: Uncertain significance (1). 1 of the submissions does not count toward it. Last evaluated 2022-05-26.

Conditions:
TAMM41-related condition.

gnomAD v4.1: 17 of 1,614,008 alleles (0.0011%); highest among the groups gnomAD compares: Admixed American, 0.0083%; no homozygotes.

Submissions (2):

Ambry Genetics
Classification: Uncertain significance. Last evaluated: 2022-05-26. Review status: criteria provided, single submitter. Criteria: Ambry Variant Classification Scheme 2023. Collection method: clinical testing. Allele origin: germline.

PreventionGenetics, part of Exact Sciences
Classification: Uncertain significance for TAMM41-related condition. Last evaluated: 2024-03-15. Review status: no assertion criteria provided. Collection method: clinical testing. Allele origin: germline. Not counted in ClinVar's aggregate classification.
Comment: The TAMM41 c.814G>T variant is predicted to result in the amino acid substitution p.Val272Leu. To our knowledge, this variant has not been reported in the literature. This variant is reported in 0.0056% of alleles in individuals of Latino descent in gnomAD. At this time, the clinical significance of this variant is uncertain due to the absence of conclusive functional and genetic evidence.

NM_001284401.2(TAMM41):c.814G>T (p.Val272Leu)

Gene: TAMM41 (TAM41 mitochondrial translocator assembly and maintenance homolog). Cytogenetic location: 3p25.2.
Variant type: single nucleotide variant.
Coding change: c.814G>T on transcript NM_001284401.2 (MANE Select); coding-DNA position 814, G replaced by T.
Protein change: p.Val272Leu; replaces valine 272 with leucine.
Molecular consequence: missense variant. On other transcripts: non-coding transcript variant (8).
Genome position (GRCh38, 1-based): chr3:11,809,577, C>A on the plus strand (G>T on the coding strand, the complement: TAMM41 is on the minus strand). VCF-style: chr3-11809577-C-A. GRCh37 (hg19) VCF-style: chr3-11851051-C-A.
Other names: c.691G>T, p.Val231Leu (NM_001321294.2); c.316G>T, p.Val106Leu (NM_001321295.2); c.814G>T, p.Val272Leu (NM_001394474.1, NM_138807.4); c.814G>T (NM_001284401.1); short protein forms V106L, V231L, V272L.
Identifiers: ClinVar variation 2402439 (VCV002402439.3), dbSNP rs139131628, ClinGen allele CA351478569.